The following is an entry in ClinVar:

ClinVar aggregate classification (germline): Likely benign. Review status: criteria provided, multiple submitters, no conflicts (2 of 4 stars). 2 submissions from 2 submitters: Likely benign (2). Last evaluated 2025-03-27.

Conditions:
Peutz-Jeghers syndrome (PJS). Also called: POLYPOSIS, HAMARTOMATOUS INTESTINAL; POLYPS-AND-SPOTS SYNDROME; Peutz-Jeghers polyposis; Periorificial lentiginosis syndrome. Identifiers: Orphanet 2869, MedGen C0031269, MeSH D010580, MONDO:0008280, OMIM 175200.

Submissions (2):

Myriad Genetics, Inc.
Classification: Likely benign for Peutz-Jeghers syndrome. Last evaluated: 2025-03-27. Review status: criteria provided, single submitter. Criteria: Myriad Autosomal Dominant, Autosomal Recessive and X-Linked Classification Criteria (2023). Collection method: clinical testing. Allele origin: unknown.
Comment: This variant is considered likely benign. This variant is intronic and is not expected to impact mRNA splicing.

Labcorp Genetics (formerly Invitae), Labcorp
Classification: Likely benign for Peutz-Jeghers syndrome. Last evaluated: 2024-05-08. Review status: criteria provided, single submitter. Criteria: Invitae Variant Classification Sherloc (09022015). Collection method: clinical testing. Allele origin: germline.

NM_000455.5(STK11):c.863-19C>T

Gene: STK11 (serine/threonine kinase 11; plus strand). Cytogenetic location: 19p13.3.
Variant type: single nucleotide variant.
Coding change: c.863-19C>T on transcript NM_000455.5 (MANE Select); 19 bases into the intron before coding-DNA position 863, C replaced by T.
Molecular consequence: intron variant.
Genome position (GRCh38, 1-based): chr19:1,221,930, C>T. VCF-style: chr19-1221930-C-T. GRCh37 (hg19) VCF-style: chr19-1221929-C-T.
Other names: c.863-19C>T (NM_001407255.1).
Identifiers: ClinVar variation 3652612 (VCV003652612.3).